The following is an entry in ClinVar:

ClinVar aggregate classification (germline): Uncertain significance (1 of 4 stars; one submission).

Conditions:
FGFR3-related chondrodysplasia. Identifiers: Orphanet 93420, MedGen C5681604, MONDO:0019685.

Submission:

Genomenon, Inc
Classification: Uncertain significance for FGFR3-related chondrodysplasia. Last evaluated: 2026-06-23. Review status: criteria provided, single submitter. Criteria: Genomenon Sequence Variant Interpretation Standards - Updated. Collection method: curation. Allele origin: germline. Affected: no.
Comment: FGFR3 p.Asn653His (c.1957A>C) is a missense variant that changes the amino acid at codon 653 from Asparagine to Histidine. To our knowledge, this variant has not been reported in patients affected with an FGFR3-related disorder in the published literature. Functional studies have been reported (PMID:26992226). It is absent or not present at a significant frequency in gnomAD. In silico models predict that this variant is possibly or probably damaging. In conclusion, we classify FGFR3 p.Asn653His (c.1957A>C) as a variant of uncertain significance.

Literature cited by the submitters: PubMed 26992226.

NM_000142.5(FGFR3):c.1957A>C (p.Asn653His)

Gene: FGFR3 (fibroblast growth factor receptor 3; plus strand). Cytogenetic location: 4p16.3.
Variant type: single nucleotide variant.
Coding change: c.1957A>C on transcript NM_000142.5 (MANE Select); coding-DNA position 1957, A replaced by C.
Protein change: p.Asn653His; replaces asparagine 653 with histidine.
Molecular consequence: missense variant. On other transcripts: non-coding transcript variant (1).
Genome position (GRCh38, 1-based): chr4:1,806,171, A>C. VCF-style: chr4-1806171-A-C. GRCh37 (hg19) VCF-style: chr4-1807898-A-C.
Other names: c.1963A>C, p.Asn655His (NM_001163213.2); c.1960A>C, p.Asn654His (NM_001354809.2, NM_001354810.2); c.1621A>C, p.Asn541His (NM_022965.4); short protein forms N541H, N653H, N654H, N655H.
Identifiers: ClinVar variation 4857796 (VCV004857796.1).